The following is an entry in ClinVar:

NM_000260.4(MYO7A):c.1622C>T (p.Pro541Leu)

Gene: MYO7A (myosin VIIA; plus strand). Cytogenetic location: 11q13.5.
Variant type: single nucleotide variant.
Coding change: c.1622C>T on transcript NM_000260.4 (MANE Select); coding-DNA position 1622, C replaced by T.
Protein change: p.Pro541Leu; replaces proline 541 with leucine.
Molecular consequence: missense variant.
Genome position (GRCh38, 1-based): chr11:77,162,920, C>T. VCF-style: chr11-77162920-C-T. GRCh37 (hg19) VCF-style: chr11-76873966-C-T.
Other names: c.1622C>T, p.Pro541Leu (NM_001127180.2); c.1589C>T, p.Pro530Leu (NM_001369365.1); short protein forms P541L, P530L.
Identifiers: ClinVar variation 2165766 (VCV002165766.4), dbSNP rs369301423, ClinGen allele CA381936159.

ClinVar aggregate classification (germline): Uncertain significance. Review status: criteria provided, multiple submitters, no conflicts (2 of 4 stars). 3 submissions from 3 submitters: Uncertain significance (3). Last evaluated 2022-08-29.

Conditions:
Autosomal recessive nonsyndromic hearing loss 2. Also called: NEUROSENSORY NONSYNDROMIC RECESSIVE DEAFNESS 2; DEAFNESS, AUTOSOMAL RECESSIVE 2. Identifiers: Orphanet 90636, MedGen C1838701, MONDO:0010807, OMIM 600060.
Autosomal dominant nonsyndromic hearing loss 11. Identifiers: Orphanet 90635, MedGen C1832475, MONDO:0011032, OMIM 601317.
Usher syndrome type 1 (USH1). Also called: RETINITIS PIGMENTOSA AND CONGENITAL DEAFNESS. Identifiers: Orphanet 231169, Orphanet 886, MedGen C1568247, MONDO:0010168, OMIM 276900.

Allele frequency attached by ClinVar (database versions not stated): 1000 Genomes Project 30x 0.00016; 1000 Genomes Project 0.00020.
gnomAD v4.1: 9 of 1,613,826 alleles (0.00056%); highest among the groups gnomAD compares: East Asian, 0.018%; no homozygotes.

Submissions (3):

Labcorp Genetics (formerly Invitae), Labcorp
Classification: Uncertain significance. Last evaluated: 2022-08-29. Review status: criteria provided, single submitter. Criteria: Invitae Variant Classification Sherloc (09022015). Collection method: clinical testing. Allele origin: germline.
Comment: This sequence change replaces proline, which is neutral and non-polar, with leucine, which is neutral and non-polar, at codon 541 of the MYO7A protein (p.Pro541Leu). This variant is present in population databases (rs369301423, gnomAD 0.01%). This missense change has been observed in individual(s) with Usher syndrome (PMID: 29625443). Advanced modeling of protein sequence and biophysical properties (such as structural, functional, and spatial information, amino acid conservation, physicochemical variation, residue mobility, and thermodynamic stability) performed at Invitae indicates that this missense variant is expected to disrupt MYO7A protein function. In summary, the available evidence is currently insufficient to determine the role of this variant in disease. Therefore, it has been classified as a Variant of Uncertain Significance.

Blueprint Genetics
Classification: Uncertain significance. Last evaluated: 2020-04-06. Review status: criteria provided, single submitter. Criteria: ACMG Guidelines, 2015. Collection method: clinical testing. Allele origin: germline.

Juno Genomics, Hangzhou Juno Genomics, Inc
Classification: Uncertain significance for Usher syndrome type 1; Autosomal dominant nonsyndromic hearing loss 11; Autosomal recessive nonsyndromic hearing loss 2. Review status: criteria provided, single submitter. Criteria: ACMG Guidelines, 2015. Collection method: clinical testing. Allele origin: germline.
Comment: Multiple lines of computational evidence support a deleterious effect on the gene or gene product.

Literature cited by the submitters: PubMed 29625443 (cited by Labcorp Genetics (formerly Invitae), Labcorp).